The following is an entry in ClinVar:

NM_001752.4(CAT):c.1518+6C>G

Gene: CAT (catalase; plus strand). Cytogenetic location: 11p13.
Variant type: single nucleotide variant.
Coding change: c.1518+6C>G on transcript NM_001752.4 (MANE Select); 6 bases into the intron after coding-DNA position 1518, C replaced by G.
Molecular consequence: intron variant.
Genome position (GRCh38, 1-based): chr11:34,471,047, C>G. VCF-style: chr11-34471047-C-G. GRCh37 (hg19) VCF-style: chr11-34492594-C-G.
Other names: NC_000011.9:g.34492594C>G.
Identifiers: ClinVar variation 1050502 (VCV001050502.2), dbSNP rs200858410, ClinGen allele CA5944666.

ClinVar aggregate classification (germline): Uncertain significance (0 of 4 stars; one submission).

Allele frequency attached by ClinVar (database versions not stated): ExAC 0.00012; TOPMed 0.00017; gnomAD 0.00023 and 0.00026; ESP Exome Variant Server 0.00008; gnomAD exomes 0.00020.

Submissions (2):

Department of Pathology and Laboratory Medicine, Sinai Health System
Classification: Uncertain significance. Review status: no assertion criteria provided. Collection method: clinical testing. Allele origin: unknown. Affected: yes. Study: The Canadian Open Genetics Repository (COGR).
Comment: The CAT c.1518+6C>G variant was not identified in the literature nor was it identified in ClinVar or LOVD 3.0. The variant was identified in dbSNP (ID: rs200858410) and in control databases in 53 of 282852 chromosomes at a frequency of 0.0001874 (Genome Aggregation Database March 6, 2019, v2.1.1). The variant was observed in the following populations: Ashkenazi Jewish in 21 of 10370 chromosomes (freq: 0.002025), Other in 3 of 7226 chromosomes (freq: 0.000415), European (non-Finnish) in 26 of 129166 chromosomes (freq: 0.000201), African in 2 of 24972 chromosomes (freq: 0.00008) and Latino in 1 of 35436 chromosomes (freq: 0.000028), but was not observed in the East Asian, European (Finnish), or South Asian populations. The c.1518+6C>G variant is located in the 5' splice region but does not affect the invariant +1 and +2 positions. However, positions +3 to +6 are part of the splicing consensus sequence and variants involving these positions sometimes affect splicing. In addition, three of four in silico or computational prediction software programs (SpliceSiteFinder, MaxEntScan, NNSPLICE, GeneSplicer) predict a greater than 10% difference in splicing. However, RNA analysis has not been performed to determine the effect on splicing. In summary, based on the above information the clinical significance of this variant cannot be determined with certainty at this time. This variant is classified as a variant of uncertain significance.

Dr. Peter K. Rogan Lab, Western University
No classification provided (evidence only). Condition: Thymoma. Review status: no classification provided. Collection method: in vitro. Allele origin: not applicable. Functional consequence: retained intron. Not counted in ClinVar's aggregate classification.